The following is an entry in ClinVar:

NM_182961.4(SYNE1):c.5966A>G (p.Glu1989Gly)

Gene: SYNE1 (spectrin repeat containing nuclear envelope protein 1; minus strand). Cytogenetic location: 6q25.2.
Variant type: single nucleotide variant.
Coding change: c.5966A>G on transcript NM_182961.4 (MANE Select); coding-DNA position 5966, A replaced by G.
Protein change: p.Glu1989Gly; replaces glutamic acid 1989 with glycine.
Molecular consequence: missense variant.
Genome position (GRCh38, 1-based): chr6:152,416,471, T>C on the plus strand (A>G on the coding strand, the complement: SYNE1 is on the minus strand). VCF-style: chr6-152416471-T-C. GRCh37 (hg19) VCF-style: chr6-152737606-T-C.
Other names: c.5987A>G, p.Glu1996Gly (NM_033071.5); c.5966A>G (NM_182961.2); c.5987A>G (NM_033071.3); short protein forms E1989G, E1996G.
Identifiers: ClinVar variation 1504531 (VCV001504531.8), dbSNP rs762574786, ClinGen allele CA4058196.

ClinVar aggregate classification (germline): Uncertain significance. Review status: criteria provided, multiple submitters, no conflicts (2 of 4 stars). 3 submissions from 3 submitters: Uncertain significance (3). Last evaluated 2025-09-22.

Conditions:
Autosomal recessive ataxia, Beauce type. Also called: SYNE1-Related Autosomal Recessive Cerebellar Ataxia; Spinocerebellar ataxia, autosomal recessive 8; ATAXIA, RECESSIVE, OF BEAUCE; SYNE1 Deficiency. Identifiers: Orphanet 88644, MedGen C1853116, MONDO:0012549, OMIM 610743.
Emery-Dreifuss muscular dystrophy 4, autosomal dominant (EDMD4). Also called: EMERY-DREIFUSS MUSCULAR DYSTROPHY 4 WITH VARIABLE FEATURES. Identifiers: Orphanet 261, MedGen C2751807, MONDO:0013071, OMIM 612998.

Allele frequency attached by ClinVar (database versions not stated): gnomAD 0.00001; ExAC 0.00009.
gnomAD v4.1: 28 of 1,614,016 alleles (0.0017%); highest among the groups gnomAD compares: South Asian, 0.025%; no homozygotes.

Submissions (3):

Labcorp Genetics (formerly Invitae), Labcorp
Classification: Uncertain significance for Emery-Dreifuss muscular dystrophy 4, autosomal dominant; Autosomal recessive ataxia, Beauce type. Last evaluated: 2025-09-22. Review status: criteria provided, single submitter. Criteria: Invitae Variant Classification Sherloc (09022015). Collection method: clinical testing. Allele origin: germline.
Comment: This sequence change replaces glutamic acid, which is acidic and polar, with glycine, which is neutral and non-polar, at codon 1996 of the SYNE1 protein (p.Glu1996Gly). This variant is present in population databases (rs762574786, gnomAD 0.05%). This variant has not been reported in the literature in individuals affected with SYNE1-related conditions. ClinVar contains an entry for this variant (Variation ID: 1504531). An algorithm developed to predict the effect of missense changes on protein structure and function outputs the following: PolyPhen-2: "Benign". The glycine amino acid residue is found in multiple mammalian species, which suggests that this missense change does not adversely affect protein function. In summary, the available evidence is currently insufficient to determine the role of this variant in disease. Therefore, it has been classified as a Variant of Uncertain Significance.

Athena Diagnostics
Classification: Uncertain significance. Last evaluated: 2024-06-12. Review status: criteria provided, single submitter. Criteria: Athena Diagnostics Criteria. Collection method: clinical testing. Allele origin: unknown.
Comment: Available data are insufficient to determine the clinical significance of the variant at this time. The frequency of this variant in the general population is uninformative in assessment of its pathogenicity. This variant has been seen where an alternate explanation for disease was also identified, suggesting this variant may not cause disease. Polyphen and MutationTaster predict this amino acid change may be benign.

Revvity Omics, Revvity
Classification: Uncertain significance. Last evaluated: 2024-03-27. Review status: criteria provided, single submitter. Criteria: ACMG Guidelines, 2015. Collection method: clinical testing. Allele origin: germline.